The following is an entry in ClinVar:

NM_001377265.1(MAPT):c.438G>A (p.Pro146=)

Gene: MAPT (microtubule associated protein tau). Cytogenetic location: 17q21.31.
Variant type: single nucleotide variant.
Coding change: c.438G>A on transcript NM_001377265.1 (MANE Select); coding-DNA position 438, G replaced by A.
Protein change: p.Pro146=; no amino-acid change (proline 146 retained).
Molecular consequence: synonymous variant. On other transcripts: intron variant (10).
Genome position (GRCh38, 1-based): chr17:45,983,017, G>A. VCF-style: chr17-45983017-G-A. GRCh37 (hg19) VCF-style: chr17-44060383-G-A.
Other names: c.287-4023G>A (NM_001203251.2, NM_001377267.1, NM_001123067.4); c.200-4023G>A (NM_016834.5, NM_016841.5, NM_001377268.1); c.438G>A, p.Pro146= (NM_001377266.1); c.374-161G>A (NM_001123066.4, NM_016835.5); c.374-4023G>A (NM_005910.6, NM_001203252.2).
Identifiers: ClinVar variation 3067576 (VCV003067576.21), dbSNP rs3744459, ClinGen allele CA291102481.

ClinVar aggregate classification (germline): Likely benign (1 of 4 stars; one submission).

Allele frequency attached by ClinVar (database versions not stated): gnomAD exomes 0.00001; TOPMed 0.00001.
gnomAD v4.1: 11 of 1,465,008 alleles (0.00075%); highest among the groups gnomAD compares: East Asian, 0.015%; no homozygotes.

Submission:

CeGaT Center for Human Genetics Tuebingen
Classification: Likely benign. Last evaluated: 2024-03-01. Review status: criteria provided, single submitter. Criteria: CeGaT Center For Human Genetics Tuebingen Variant Classification Criteria Version 2. Collection method: clinical testing. Allele origin: germline. Affected: yes. Observed: 1 variant allele.
Comment: MAPT: PM2:Supporting, BP4, BP7